The following is an entry in ClinVar:

NM_024577.4(SH3TC2):c.3269C>G (p.Ala1090Gly)

Gene: SH3TC2 (SH3 domain and tetratricopeptide repeats 2; minus strand). Cytogenetic location: 5q32.
Variant type: single nucleotide variant.
Coding change: c.3269C>G on transcript NM_024577.4 (MANE Select); coding-DNA position 3269, C replaced by G.
Protein change: p.Ala1090Gly; replaces alanine 1090 with glycine.
Molecular consequence: missense variant.
Genome position (GRCh38, 1-based): chr5:149,010,328, G>C on the plus strand (C>G on the coding strand, the complement: SH3TC2 is on the minus strand). VCF-style: chr5-149010328-G-C. GRCh37 (hg19) VCF-style: chr5-148389891-G-C.
Other names: short protein forms A1090G.
Identifiers: ClinVar variation 1723559 (VCV001723559.8), dbSNP rs374853461, ClinGen allele CA3498798.
Genomic context (GRCh38, chr5:149,010,328, plus strand): 5'-ACTCGGTAGTACTCCACTGCATGATGCCTGTGGCGGGTCCCATTGAAGAACACATCACCT[G>C]CTTCTTCATAAAGTTTGAGAGCCAGCAAAGGCTCCTCTGACTTCAGGGCTGTCTGGATGG-3'
Protein context (NP_078853.2, residues 1080-1100): PLLALKLYEE[Ala1090Gly]GDVFFNGTRH

ClinVar aggregate classification (germline): Uncertain significance. Review status: criteria provided, multiple submitters, no conflicts (2 of 4 stars). 4 submissions from 4 submitters: Uncertain significance (4). Last evaluated 2026-09-01.

Conditions:
Charcot-Marie-Tooth disease type 4. Also called: Charcot-Marie-Tooth disease, type IV; Charcot-Marie-Tooth, Type 4. Identifiers: Orphanet 64749, MedGen C4082197, MONDO:0018995.

Allele frequency attached by ClinVar (database versions not stated): gnomAD exomes 0.00003; TOPMed 0.00004; gnomAD 0.00005; ExAC 0.00007; ESP Exome Variant Server 0.00008.
gnomAD v4.1: 58 of 1,613,888 alleles (0.0036%); highest among the groups gnomAD compares: Non-Finnish European, 0.004%; no homozygotes.

Submissions (4):

CeGaT Center for Human Genetics Tuebingen
Classification: Uncertain significance. Last evaluated: 2026-09-01. Review status: criteria provided, single submitter. Criteria: CeGaT Center For Human Genetics Tuebingen Variant Classification Criteria Version 2. Collection method: clinical testing. Allele origin: germline. Affected: yes. Observed: 2 variant alleles.
Comment: SH3TC2: PM2

Women's Health and Genetics/Laboratory Corporation of America, LabCorp
Classification: Uncertain significance. Last evaluated: 2025-01-29. Review status: criteria provided, single submitter. Criteria: LabCorp Variant Classification Summary - May 2015. Collection method: clinical testing. Allele origin: germline.
Comment: Variant summary: SH3TC2 c.3269C>G (p.Ala1090Gly) results in a non-conservative amino acid change located in the tetratricopeptide-like helical domain (IPR011990) of the encoded protein sequence. Five of five in-silico tools predict a damaging effect of the variant on protein function. The variant allele was found at a frequency of 4.8e-05 in 251292 control chromosomes. This frequency is not significantly higher than estimated for a pathogenic variant in SH3TC2 causing Charcot-Marie-Tooth disease type 4C, allowing no conclusion about variant significance. c.3269C>G has been reported in the literature in an individual affected with Charcot-Marie-Tooth disease type 4C (e.g., Peddareddygari_2024). This report does not provide unequivocal conclusions about association of the variant with Charcot-Marie-Tooth disease type 4C. To our knowledge, no experimental evidence demonstrating an impact on protein function has been reported. The following publication has been ascertained in the context of this evaluation (PMID: 38707135). ClinVar contains an entry for this variant (Variation ID: 1723559). Based on the evidence outlined above, the variant was classified as uncertain significance.

Labcorp Genetics (formerly Invitae), Labcorp
Classification: Uncertain significance for Charcot-Marie-Tooth disease type 4. Last evaluated: 2023-11-02. Review status: criteria provided, single submitter. Criteria: Invitae Variant Classification Sherloc (09022015). Collection method: clinical testing. Allele origin: germline.
Comment: This sequence change replaces alanine, which is neutral and non-polar, with glycine, which is neutral and non-polar, at codon 1090 of the SH3TC2 protein (p.Ala1090Gly). This variant is present in population databases (rs374853461, gnomAD 0.008%). This variant has not been reported in the literature in individuals affected with SH3TC2-related conditions. ClinVar contains an entry for this variant (Variation ID: 1723559). Advanced modeling of protein sequence and biophysical properties (such as structural, functional, and spatial information, amino acid conservation, physicochemical variation, residue mobility, and thermodynamic stability) has been performed at Invitae for this missense variant, however the output from this modeling did not meet the statistical confidence thresholds required to predict the impact of this variant on SH3TC2 protein function. In summary, the available evidence is currently insufficient to determine the role of this variant in disease. Therefore, it has been classified as a Variant of Uncertain Significance.

GeneDx
Classification: Uncertain significance. Last evaluated: 2022-05-10. Review status: criteria provided, single submitter. Criteria: GeneDx Variant Classification Process June 2021. Collection method: clinical testing. Allele origin: germline. Affected: yes.
Comment: Not observed at significant frequency in large population cohorts (gnomAD); In silico analysis supports that this missense variant has a deleterious effect on protein structure/function; Has not been previously published as pathogenic or benign to our knowledge

Literature cited by the submitters: PubMed 38707135 (cited by Women's Health and Genetics/Laboratory Corporation of America, LabCorp).